The following is an entry in ClinVar:

ClinVar aggregate classification (germline): Benign (1 of 4 stars; one submission).

Allele frequency attached by ClinVar (database versions not stated): gnomAD 0.00020; 1000 Genomes Project 0.00379.
gnomAD v4.1: 30 of 151,852 alleles (0.02%); highest among the groups gnomAD compares: Middle Eastern, 0.34%; no homozygotes.

Submission:

CeGaT Center for Human Genetics Tuebingen
Classification: Benign. Last evaluated: 2022-09-01. Review status: criteria provided, single submitter. Criteria: CeGaT Center For Human Genetics Tuebingen Variant Classification Criteria Version 2. Collection method: clinical testing. Allele origin: germline. Affected: yes. Observed: 1 variant allele.
Comment: CSMD1: BS1, BS2

NM_033225.6(CSMD1):c.7856-3714T>C

Genes: CSMD1 (CUB and Sushi multiple domains 1; minus strand), LOC105377785 (uncharacterized LOC105377785; plus strand). Cytogenetic location: 8p23.2.
Variant type: single nucleotide variant.
Coding change: c.7856-3714T>C on transcript NM_033225.6 (MANE Select); 3714 bases into the intron before coding-DNA position 7856, T replaced by C.
Molecular consequence: intron variant. On other transcripts: non-coding transcript variant (5).
Genome position (GRCh38, 1-based): chr8:3,022,364, A>G on the plus strand (T>C on the coding strand, the complement: CSMD1 is on the minus strand). VCF-style: chr8-3022364-A-G. GRCh37 (hg19) VCF-style: chr8-2879886-A-G.
Identifiers: ClinVar variation 2658325 (VCV002658325.24), dbSNP rs528975835, ClinGen allele CA170627158.